The following is an entry in ClinVar:

NM_004586.3(RPS6KA3):c.896T>C (p.Leu299Ser)

Gene: RPS6KA3 (ribosomal protein S6 kinase A3; minus strand). Cytogenetic location: Xp22.12.
Variant type: single nucleotide variant.
Coding change: c.896T>C on transcript NM_004586.3 (MANE Select); coding-DNA position 896, T replaced by C.
Protein change: p.Leu299Ser; replaces leucine 299 with serine.
Molecular consequence: missense variant.
Genome position (GRCh38, 1-based): chrX:20,177,034, A>G on the plus strand (T>C on the coding strand, the complement: RPS6KA3 is on the minus strand). VCF-style: chrX-20177034-A-G. GRCh37 (hg19) VCF-style: chrX-20195152-A-G.
Other names: c.812T>C, p.Leu271Ser (NM_001438340.1); short protein forms L271S, L299S.
Identifiers: ClinVar variation 5040384 (VCV005040384.1).

ClinVar aggregate classification (germline): Uncertain significance (1 of 4 stars; one submission).

Submission:

CeGaT Center for Human Genetics Tuebingen
Classification: Uncertain significance. Last evaluated: 2026-09-01. Review status: criteria provided, single submitter. Criteria: CeGaT Center For Human Genetics Tuebingen Variant Classification Criteria Version 2. Collection method: clinical testing. Allele origin: germline. Affected: yes. Observed: 2 variant alleles.
Comment: RPS6KA3: PM2, PP2, PP3